The following is an entry in ClinVar:

ClinVar aggregate classification (germline): Pathogenic (1 of 4 stars; one submission).

Conditions:
Lamellar ichthyosis. Identifiers: Orphanet 313, MedGen C5848247, MONDO:0017778.

Submission:

Women's Health and Genetics/Laboratory Corporation of America, LabCorp
Classification: Pathogenic for Lamellar ichthyosis. Last evaluated: 2026-03-05. Review status: criteria provided, single submitter. Criteria: LabCorp Variant Classification Summary - May 2015. Collection method: clinical testing. Allele origin: germline.
Comment: Variant summary: ALOXE3 c.1078dupG (p.Ala360GlyfsX16) results in a premature termination codon, predicted to cause a truncation of the encoded protein or absence of the protein due to nonsense mediated decay, which are commonly known mechanisms for disease. The variant allele was found at a frequency of 4.2e-06 in 239802 control chromosomes. To our knowledge, no occurrence of c.1078dupG in individuals affected with ALOXE3-related conditions and no experimental evidence demonstrating its impact on protein function have been reported. No submitters have cited clinical-significance assessments for this variant to ClinVar. Based on the evidence outlined above, the variant was classified as pathogenic.

NM_021628.3(ALOXE3):c.1078dup (p.Ala360fs)

Genes: ALOXE3 (arachidonate epidermal lipoxygenase 3; minus strand), LOC130060198 (ATAC-STARR-seq lymphoblastoid silent region 8151; plus strand). Cytogenetic location: 17p13.1.
Variant type: Duplication.
Coding change: c.1078dup on transcript NM_021628.3 (MANE Select); coding-DNA position 1078, one base duplicated (G; older notation c.1078dupG).
Protein change: p.Ala360fs; shifts the reading frame from alanine 360.
Molecular consequence: frameshift variant.
Genome position (GRCh38, 1-based): chr17:8,110,408, C duplicated on the plus strand (G on the coding strand, the reverse complement: ALOXE3 is on the minus strand); the first of 5 consecutive C bases (chr17:8,110,408-8,110,412); duplicating any one gives the same sequence. VCF-style (leftmost placement, unchanged base first): chr17-8110407-G-GC. GRCh37 (hg19) VCF-style: chr17-8013725-G-GC.
Other names: c.1474dup, p.Ala492fs (NM_001165960.1); c.1075dup, p.Ala359fs (NM_001369446.1); c.1078dupG (NM_021628.3); short protein forms A359fs, A360fs, A492fs.
Identifiers: ClinVar variation 4847442 (VCV004847442.1).